The following is an entry in ClinVar:

ClinVar aggregate classification (germline): Benign (1 of 4 stars; one submission).

Conditions:
Holoprosencephaly 11 (HPE11). Identifiers: Orphanet 2162, MedGen C3280215, MONDO:0013642, OMIM 614226.

Allele frequency attached by ClinVar (database versions not stated): 1000 Genomes Project 30x 0.00250; 1000 Genomes Project 0.00260; gnomAD below 0.00001 and 0.00023; TOPMed 0.00003.

Submission:

Illumina Laboratory Services, Illumina
Classification: Benign for Holoprosencephaly 11. Last evaluated: 2018-01-13. Review status: criteria provided, single submitter. Criteria: ICSL Variant Classification Criteria 13 December 2019. Collection method: clinical testing. Allele origin: germline.
Comment: This variant was observed in the ICSL laboratory as part of a predisposition screen in an ostensibly healthy population. It had not been previously curated by ICSL or reported in the Human Gene Mutation Database (HGMD: prior to June 1st, 2018), and was therefore a candidate for classification through an automated scoring system. Utilizing variant allele frequency, disease prevalence and penetrance estimates, and inheritance mode, an automated score was calculated to assess if this variant is too frequent to cause the disease. Based on the score and internal cut-off values, a variant classified as benign is not then subjected to further curation. The score for this variant resulted in a classification of benign for this disease.

NM_001378964.1(CDON):c.*897T>C

Gene: CDON (cell adhesion associated, oncogene regulated; minus strand). Cytogenetic location: 11q24.2.
Variant type: single nucleotide variant.
Coding change: c.*897T>C on transcript NM_001378964.1 (MANE Select); 897 bases downstream of the stop codon, T replaced by C.
Molecular consequence: 3 prime UTR variant.
Genome position (GRCh38, 1-based): chr11:125,960,045, A>G on the plus strand (T>C on the coding strand, the complement: CDON is on the minus strand). VCF-style: chr11-125960045-A-G. GRCh37 (hg19) VCF-style: chr11-125829940-A-G.
Other names: c.*897T>C (NM_001243597.3, NM_016952.6).
Identifiers: ClinVar variation 303476 (VCV000303476.5), dbSNP rs563620294, ClinGen allele CA10638389.